The following is an entry in ClinVar:

NM_020944.3(GBA2):c.1849T>A (p.Trp617Arg)

Gene: GBA2 (glucosylceramidase beta 2; minus strand). Cytogenetic location: 9p13.3.
Variant type: single nucleotide variant.
Coding change: c.1849T>A on transcript NM_020944.3 (MANE Select); coding-DNA position 1849, T replaced by A.
Protein change: p.Trp617Arg; replaces tryptophan 617 with arginine.
Molecular consequence: missense variant.
Genome position (GRCh38, 1-based): chr9:35,738,850, A>T on the plus strand (T>A on the coding strand, the complement: GBA2 is on the minus strand). VCF-style: chr9-35738850-A-T. GRCh37 (hg19) VCF-style: chr9-35738847-A-T.
Other names: c.1849T>A, p.Trp617Arg (NM_001330660.2); short protein forms W617R.
Identifiers: ClinVar variation 3906307 (VCV003906307.1).

ClinVar aggregate classification (germline): Uncertain significance (1 of 4 stars; one submission).

Submission:

GeneDx
Classification: Uncertain significance. Last evaluated: 2024-12-18. Review status: criteria provided, single submitter. Criteria: GeneDx Variant Classification Process June 2021. Collection method: clinical testing. Allele origin: germline. Affected: yes.
Comment: Not observed at significant frequency in large population cohorts (gnomAD); In silico analysis supports that this missense variant has a deleterious effect on protein structure/function; Has not been previously published as pathogenic or benign to our knowledge